The following is an entry in ClinVar:

NM_080860.4(RSPH1):c.128C>A (p.Thr43Asn)

Genes: RSPH1 (radial spoke head component 1; minus strand), LOC126653391 (CDK7 strongly-dependent group 2 enhancer GRCh37_chr21:43912470-43913669; plus strand). Cytogenetic location: 21q22.3.
Variant type: single nucleotide variant.
Coding change: c.128C>A on transcript NM_080860.4 (MANE Select); coding-DNA position 128, C replaced by A.
Protein change: p.Thr43Asn; replaces threonine 43 with asparagine.
Molecular consequence: missense variant. On other transcripts: intron variant (1).
Genome position (GRCh38, 1-based): chr21:42,493,006, G>T on the plus strand (C>A on the coding strand, the complement: RSPH1 is on the minus strand). VCF-style: chr21-42493006-G-T. GRCh37 (hg19) VCF-style: chr21-43913116-G-T.
Other names: c.55-143C>A (NM_001286506.2); short protein forms T43N.
Identifiers: ClinVar variation 408125 (VCV000408125.8), dbSNP rs144221071, ClinGen allele CA10044055.
Genomic context (GRCh38, chr21:42,493,006, plus strand): 5'-GTCAAGTCAACGGTTCTGACCTGGCCATGTCTTTTACCGAATTCGTAGCTCCCTTCGTAG[G>T]TGTCCCCGTTGGGTAGCCGTGCCCTCCCACGTCCGTGCCTTTCGCCTGCCTCATTCCGAC-3'
Protein context (NP_543136.1, residues 33-53): RGRARLPNGD[Thr43Asn]YEGSYEFGKR

ClinVar aggregate classification (germline): Uncertain significance (1 of 4 stars; one submission).

Conditions:
Primary ciliary dyskinesia. Also called: Ciliary dyskinesia. Identifiers: Orphanet 244, MedGen C0008780, MONDO:0016575, HP:0012265.

Allele frequency attached by ClinVar (database versions not stated): gnomAD exomes 0.00003; ExAC 0.00004; gnomAD 0.00006 and 0.00007; TOPMed 0.00008; ESP Exome Variant Server 0.00015; 1000 Genomes Project 30x 0.00031; 1000 Genomes Project 0.00040.
gnomAD v4.1: 32 of 1,614,182 alleles (0.002%); highest among the groups gnomAD compares: African/African-American, 0.032%; 1 homozygote.

Submission:

Labcorp Genetics (formerly Invitae), Labcorp
Classification: Uncertain significance for Primary ciliary dyskinesia. Last evaluated: 2022-07-01. Review status: criteria provided, single submitter. Criteria: Invitae Variant Classification Sherloc (09022015). Collection method: clinical testing. Allele origin: germline.
Comment: This sequence change replaces threonine, which is neutral and polar, with asparagine, which is neutral and polar, at codon 43 of the RSPH1 protein (p.Thr43Asn). This variant is present in population databases (rs144221071, gnomAD 0.02%). This variant has not been reported in the literature in individuals affected with RSPH1-related conditions. ClinVar contains an entry for this variant (Variation ID: 408125). Algorithms developed to predict the effect of missense changes on protein structure and function are either unavailable or do not agree on the potential impact of this missense change (SIFT: "Tolerated"; PolyPhen-2: "Probably Damaging"; Align-GVGD: "Class C0"). In summary, the available evidence is currently insufficient to determine the role of this variant in disease. Therefore, it has been classified as a Variant of Uncertain Significance.